The following is an entry in ClinVar:

NM_002439.5(MSH3):c.1079T>C (p.Met360Thr)

Gene: MSH3 (mutS homolog 3; plus strand). Cytogenetic location: 5q14.1.
Variant type: single nucleotide variant.
Coding change: c.1079T>C on transcript NM_002439.5 (MANE Select); coding-DNA position 1079, T replaced by C.
Protein change: p.Met360Thr; replaces methionine 360 with threonine.
Molecular consequence: missense variant.
Genome position (GRCh38, 1-based): chr5:80,675,034, T>C. VCF-style: chr5-80675034-T-C. GRCh37 (hg19) VCF-style: chr5-79970853-T-C.
Other names: c.1079T>C (NM_002439.3); short protein forms M360T.
Identifiers: ClinVar variation 641616 (VCV000641616.13), dbSNP rs1204244703, ClinGen allele CA360268012.
Genomic context (GRCh38, chr5:80,675,034, plus strand): 5'-TATTATTAAATGTGAATCCCCTAATCAAGCTGGATGATGCTGTAAATGTTGATGAGATAA[T>C]GACTGATACTTCTACCAGCTATCTTCTGTGCATCTCTGAAAATAAGGAAAATGTTAGGGA-3'
Protein context (NP_002430.3, residues 350-370): LDDAVNVDEI[Met360Thr]TDTSTSYLLC

ClinVar aggregate classification (germline): Uncertain significance. Review status: criteria provided, multiple submitters, no conflicts (2 of 4 stars). 2 submissions from 2 submitters: Uncertain significance (2). Last evaluated 2025-03-08.

Conditions:
Hereditary cancer-predisposing syndrome. Also called: Neoplastic Syndromes, Hereditary; Tumor predisposition; Hereditary neoplastic syndrome; Hereditary Cancer Syndrome. Identifiers: Orphanet 140162, MedGen C0027672, MeSH D009386, MONDO:0015356.

Allele frequency attached by ClinVar (database versions not stated): gnomAD exomes below 0.00001; TOPMed 0.00002.
gnomAD v4.1: 2 of 1,613,160 alleles (0.00012%); highest among the groups gnomAD compares: East Asian, 0.0022%; no homozygotes.

Submissions (2):

Ambry Genetics
Classification: Uncertain significance for Hereditary cancer-predisposing syndrome. Last evaluated: 2025-03-08. Review status: criteria provided, single submitter. Criteria: Ambry Variant Classification Scheme 2023. Collection method: clinical testing. Allele origin: germline.
Comment: The p.M360T variant (also known as c.1079T>C), located in coding exon 7 of the MSH3 gene, results from a T to C substitution at nucleotide position 1079. The methionine at codon 360 is replaced by threonine, an amino acid with similar properties. This amino acid position is conserved. In addition, this alteration is predicted to be tolerated by in silico analysis. Since supporting evidence is limited at this time, the clinical significance of this alteration remains unclear.

Labcorp Genetics (formerly Invitae), Labcorp
Classification: Uncertain significance. Last evaluated: 2024-10-24. Review status: criteria provided, single submitter. Criteria: Invitae Variant Classification Sherloc (09022015). Collection method: clinical testing. Allele origin: germline.
Comment: This sequence change replaces methionine, which is neutral and non-polar, with threonine, which is neutral and polar, at codon 360 of the MSH3 protein (p.Met360Thr). This variant is not present in population databases (gnomAD no frequency). This variant has not been reported in the literature in individuals affected with MSH3-related conditions. ClinVar contains an entry for this variant (Variation ID: 641616). An algorithm developed to predict the effect of missense changes on protein structure and function outputs the following: PolyPhen-2: "Benign". The threonine amino acid residue is found in multiple mammalian species, which suggests that this missense change does not adversely affect protein function. RNA analysis performed to evaluate the impact of this missense change on mRNA splicing indicates it does not significantly alter splicing (internal data). In summary, the available evidence is currently insufficient to determine the role of this variant in disease. Therefore, it has been classified as a Variant of Uncertain Significance.